The following is an entry in ClinVar:

ClinVar aggregate classification (germline): Pathogenic/Likely pathogenic. Review status: criteria provided, multiple submitters, no conflicts (2 of 4 stars). 8 submissions from 8 submitters: Pathogenic (2); Likely pathogenic (3). 3 of the submissions do not count toward it. Last evaluated 2024-09-10.

Conditions:
Baraitser-winter syndrome 2. Identifiers: Orphanet 2995, MedGen C3281235, MONDO:0013812, OMIM 614583.
Autosomal dominant nonsyndromic hearing loss 20. Identifiers: Orphanet 90635, MedGen C1858172, MONDO:0011480, OMIM 604717.
Lissencephaly. Also called: Lissencephaly spectrum disorders. Identifiers: Orphanet 48471, MedGen C0266463, MeSH D054082, MONDO:0018838, HP:0001339.

Submissions (8):

GeneDx
Classification: Pathogenic. Last evaluated: 2024-09-10. Review status: criteria provided, single submitter. Criteria: GeneDx Variant Classification Process June 2021. Collection method: clinical testing. Allele origin: germline. Affected: yes.
Comment: Not observed at significant frequency in large population cohorts (gnomAD); Missense variants in this gene are often considered pathogenic (HGMD); In silico analysis supports that this missense variant has a deleterious effect on protein structure/function; This variant is associated with the following publications: (PMID: 22366783, 28496999, 27240540)

Laboratorio de Genetica e Diagnostico Molecular, Hospital Israelita Albert Einstein
Classification: Likely pathogenic for Autosomal dominant nonsyndromic hearing loss 20. Last evaluated: 2022-11-12. Review status: criteria provided, single submitter. Criteria: ACMG Guidelines, 2015. Collection method: clinical testing. Allele origin: germline. Affected: yes. Observed: 1 variant allele.
Comment: ACMG classification criteria: PS4 moderated, PM2 moderated, PM6 moderated, PP2 supporting, PP3 supporting

Labcorp Genetics (formerly Invitae), Labcorp
Classification: Pathogenic for Baraitser-winter syndrome 2; Autosomal dominant nonsyndromic hearing loss 20. Last evaluated: 2022-02-05. Review status: criteria provided, single submitter. Criteria: Invitae Variant Classification Sherloc (09022015). Collection method: clinical testing. Allele origin: germline.
Comment: This missense change has been observed in individual(s) with Baraitser-Winter syndrome (PMID: 22366783, 27240540). In at least one individual the variant was observed to be de novo. This variant is not present in population databases (gnomAD no frequency). This sequence change replaces arginine, which is basic and polar, with tryptophan, which is neutral and slightly polar, at codon 254 of the ACTG1 protein (p.Arg254Trp). ClinVar contains an entry for this variant (Variation ID: 29589). For these reasons, this variant has been classified as Pathogenic. Algorithms developed to predict the effect of missense changes on protein structure and function are either unavailable or do not agree on the potential impact of this missense change (SIFT: "Deleterious"; PolyPhen-2: "Benign"; Align-GVGD: "Class C0").

Institute of Human Genetics, University of Leipzig Medical Center
Classification: Likely pathogenic for Baraitser-winter syndrome 2. Last evaluated: 2021-10-04. Review status: criteria provided, single submitter. Criteria: ACMG Guidelines, 2015. Collection method: clinical testing. Allele origin: de novo. Affected: yes.
Comment: This variant was identified as de novo (maternity and paternity confirmed).

Genetic Services Laboratory, University of Chicago
Classification: Likely pathogenic. Last evaluated: 2017-08-09. Review status: criteria provided, single submitter. Criteria: ACMG Guidelines, 2015. Collection method: clinical testing. Allele origin: germline. Affected: yes.

OMIM
Classification: Pathogenic for BARAITSER-WINTER SYNDROME 2. Last evaluated: 2012-02-26. Review status: no assertion criteria provided. Collection method: literature only. Allele origin: germline. Not counted in ClinVar's aggregate classification.

UniProtKB/Swiss-Prot
No classification provided. Review status: no classification provided. Collection method: not provided. Allele origin: not provided. Not counted in ClinVar's aggregate classification.

University of Washington Center for Mendelian Genomics, University of Washington
Classification: Likely pathogenic for lissencephaly. Review status: no assertion criteria provided. Collection method: research. Allele origin: unknown. Affected: yes. Not counted in ClinVar's aggregate classification.

Literature cited by the submitters: PubMed 22366783 (cited by Labcorp Genetics (formerly Invitae), Labcorp and OMIM); PubMed 27240540 (cited by Labcorp Genetics (formerly Invitae), Labcorp); PubMed 29671837 (cited by University of Washington Center for Mendelian Genomics, University of Washington).

NM_001614.5(ACTG1):c.760C>T (p.Arg254Trp)

Gene: ACTG1 (actin gamma 1; minus strand). Cytogenetic location: 17q25.3.
Variant type: single nucleotide variant.
Coding change: c.760C>T on transcript NM_001614.5 (MANE Select); coding-DNA position 760, C replaced by T.
Protein change: p.Arg254Trp; replaces arginine 254 with tryptophan.
Molecular consequence: missense variant. On other transcripts: non-coding transcript variant (1).
Genome position (GRCh38, 1-based): chr17:81,511,230, G>A on the plus strand (C>T on the coding strand, the complement: ACTG1 is on the minus strand). VCF-style: chr17-81511230-G-A. GRCh37 (hg19) VCF-style: chr17-79478256-G-A.
Other names: c.760C>T, p.Arg254Trp (NM_001199954.3); short protein forms R254W.
Identifiers: ClinVar variation 29589 (VCV000029589.20), dbSNP rs281875328, ClinGen allele CA219956.